The following is an entry in ClinVar:

NM_021830.5(TWNK):c.115C>T (p.Arg39Cys)

Gene: TWNK (twinkle mtDNA helicase; plus strand). Cytogenetic location: 10q24.31.
Variant type: single nucleotide variant.
Coding change: c.115C>T on transcript NM_021830.5 (MANE Select); coding-DNA position 115, C replaced by T.
Protein change: p.Arg39Cys; replaces arginine 39 with cysteine.
Molecular consequence: missense variant. On other transcripts: non-coding transcript variant (4), intron variant (3).
Genome position (GRCh38, 1-based): chr10:100,988,325, C>T. VCF-style: chr10-100988325-C-T. GRCh37 (hg19) VCF-style: chr10-102748082-C-T.
Other names: c.115C>T, p.Arg39Cys (NM_001163812.2); c.-120+712C>T (NM_001163814.2, NM_001163813.2); c.-58+712C>T (NM_001368275.1); short protein forms R39C.
Identifiers: ClinVar variation 1348729 (VCV001348729.6), dbSNP rs145595491, ClinGen allele CA212962575.

ClinVar aggregate classification (germline): Uncertain significance (1 of 4 stars; one submission).

Allele frequency attached by ClinVar (database versions not stated): gnomAD exomes 0.00001 and 0.00005; TOPMed 0.00002; gnomAD 0.00003 and 0.00004; ESP Exome Variant Server 0.00008.

Submission:

Labcorp Genetics (formerly Invitae), Labcorp
Classification: Uncertain significance. Last evaluated: 2022-11-20. Review status: criteria provided, single submitter. Criteria: Invitae Variant Classification Sherloc (09022015). Collection method: clinical testing. Allele origin: germline.
Comment: In summary, the available evidence is currently insufficient to determine the role of this variant in disease. Therefore, it has been classified as a Variant of Uncertain Significance. This sequence change replaces arginine, which is basic and polar, with cysteine, which is neutral and slightly polar, at codon 39 of the TWNK protein (p.Arg39Cys). This variant is present in population databases (rs145595491, gnomAD 0.002%). This variant has not been reported in the literature in individuals affected with TWNK-related conditions. ClinVar contains an entry for this variant (Variation ID: 1348729). Advanced modeling of protein sequence and biophysical properties (such as structural, functional, and spatial information, amino acid conservation, physicochemical variation, residue mobility, and thermodynamic stability) performed at Invitae indicates that this missense variant is not expected to disrupt TWNK protein function.